The following is an entry in ClinVar:

NM_004519.4(KCNQ3):c.1071C>G (p.Leu357=)

Gene: KCNQ3 (potassium voltage-gated channel subfamily Q member 3; minus strand). Cytogenetic location: 8q24.22.
Variant type: single nucleotide variant.
Coding change: c.1071C>G on transcript NM_004519.4 (MANE Select); coding-DNA position 1071, C replaced by G.
Protein change: p.Leu357=; no amino-acid change (leucine 357 retained).
Molecular consequence: synonymous variant.
Genome position (GRCh38, 1-based): chr8:132,172,667, G>C on the plus strand (C>G on the coding strand, the complement: KCNQ3 is on the minus strand). VCF-style: chr8-132172667-G-C. GRCh37 (hg19) VCF-style: chr8-133184914-G-C.
Other names: p.Leu357=; c.711C>G, p.Leu237= (NM_001204824.2).
Identifiers: ClinVar variation 129347 (VCV000129347.29), dbSNP rs17575754, ClinGen allele CA153297.

ClinVar aggregate classification (germline): Benign. Review status: criteria provided, multiple submitters, no conflicts (2 of 4 stars). 7 submissions from 7 submitters: Benign (6). 1 of the submissions does not count toward it. Last evaluated 2026-02-04.

Conditions:
Inborn genetic diseases. Identifiers: MedGen C0950123, MeSH D030342.
Benign neonatal seizures. Also called: Benign familial neonatal epilepsy; Benign familial neonatal seizures; Benign neonatal familial convulsions; Convulsions benign familial neonatal dominant form; Autosomal dominant form of benign neonatal seizures. Identifiers: Orphanet 1949, MedGen C0220669, MONDO:0016027.
Seizures, benign familial neonatal, 2. Also called: KCNQ3-Related Benign Familial Neonatal Epilepsy; KCNQ3-Related Self-Limited Familial Neonatal Epilepsy (SLFNE); Benign Neonatal Epilepsy 2; Seizures, benign neonatal, 2; CONVULSIONS, BENIGN FAMILIAL NEONATAL, 2. Identifiers: Orphanet 1949, MedGen C1852581, MONDO:0007366, OMIM 121201.

Allele frequency attached by ClinVar (database versions not stated): 1000 Genomes Project 0.02416; gnomAD 0.05655; 1000 Genomes Project 30x 0.02327; ESP Exome Variant Server 0.05167; TOPMed 0.04535.
gnomAD v4.1: 102,009 of 1,613,580 alleles (6.3%); highest among the groups gnomAD compares: Non-Finnish European, 7.2%; 3,671 homozygotes.

Submissions (7):

Labcorp Genetics (formerly Invitae), Labcorp
Classification: Benign for Benign neonatal seizures. Last evaluated: 2026-02-04. Review status: criteria provided, single submitter. Criteria: Invitae Variant Classification Sherloc (09022015). Collection method: clinical testing. Allele origin: germline.

Mayo Clinic Laboratories, Mayo Clinic
Classification: Benign. Last evaluated: 2018-04-10. Review status: criteria provided, single submitter. Criteria: ACMG Guidelines, 2015. Collection method: clinical testing. Allele origin: germline. Observed: 57 variant alleles.

Illumina Laboratory Services, Illumina
Classification: Benign for Seizures, benign familial neonatal, 2. Last evaluated: 2018-01-13. Review status: criteria provided, single submitter. Criteria: ICSL Variant Classification Criteria 13 December 2019. Collection method: clinical testing. Allele origin: germline.
Comment: This variant was observed in the ICSL laboratory as part of a predisposition screen in an ostensibly healthy population. It had not been previously curated by ICSL or reported in the Human Gene Mutation Database (HGMD: prior to June 1st, 2018), and was therefore a candidate for classification through an automated scoring system. Utilizing variant allele frequency, disease prevalence and penetrance estimates, and inheritance mode, an automated score was calculated to assess if this variant is too frequent to cause the disease. Based on the score and internal cut-off values, a variant classified as benign is not then subjected to further curation. The score for this variant resulted in a classification of benign for this disease.

Ambry Genetics
Classification: Benign for Inborn genetic diseases. Last evaluated: 2016-04-14. Review status: criteria provided, single submitter. Criteria: Ambry Variant Classification Scheme 2023. Collection method: clinical testing. Allele origin: germline.

GeneDx
Classification: Benign. Last evaluated: 2015-03-03. Review status: criteria provided, single submitter. Criteria: GeneDx Variant Classification Process June 2021. Collection method: clinical testing. Allele origin: germline. Affected: yes.

Breakthrough Genomics
Classification: Benign. Review status: criteria provided, single submitter. Criteria: ACMG Guidelines, 2015. Collection method: not provided. Allele origin: germline. Inheritance: Autosomal dominant inheritance. Affected: yes.

Genetic Services Laboratory, University of Chicago
Classification: Likely benign for AllHighlyPenetrant. Review status: no assertion criteria provided. Collection method: clinical testing. Allele origin: germline. Inheritance: Autosomal dominant inheritance. Not counted in ClinVar's aggregate classification.
Comment: Likely benign based on allele frequency in 1000 Genomes Project or ESP global frequency and its presence in a patient with a rare or unrelated disease phenotype. NOT Sanger confirmed.